The following is an entry in ClinVar:

NM_004700.4(KCNQ4):c.699G>C (p.Ala233=)

Gene: KCNQ4 (potassium voltage-gated channel subfamily Q member 4; plus strand). Cytogenetic location: 1p34.2.
Variant type: single nucleotide variant.
Coding change: c.699G>C on transcript NM_004700.4 (MANE Select); coding-DNA position 699, G replaced by C.
Protein change: p.Ala233=; no amino-acid change (alanine 233 retained).
Molecular consequence: synonymous variant.
Genome position (GRCh38, 1-based): chr1:40,818,671, G>C. VCF-style: chr1-40818671-G-C. GRCh37 (hg19) VCF-style: chr1-41284343-G-C.
Other names: c.699G>C, p.Ala233= (NM_172163.3).
Identifiers: ClinVar variation 179317 (VCV000179317.4), dbSNP rs727504788, ClinGen allele CA184188.

ClinVar aggregate classification (germline): Likely benign (1 of 4 stars; one submission).

Allele frequency attached by ClinVar (database versions not stated): TOPMed below 0.00001.

Submission:

Laboratory for Molecular Medicine, Mass General Brigham Personalized Medicine
Classification: Likely benign. Last evaluated: 2013-10-11. Review status: criteria provided, single submitter. Criteria: LMM Criteria. Collection method: clinical testing. Allele origin: germline. Observed: 1 variant allele.
Comment: Ala233Ala in Exon 4 of KCNQ4: This variant is not expected to have clinical sign ificance because it does not alter an amino acid residue and is not located with in the splice consensus sequence.